The following is an entry in ClinVar:

NM_015354.3(NUP188):c.2702T>G (p.Phe901Cys)

Gene: NUP188 (nucleoporin 188; plus strand). Cytogenetic location: 9q34.11.
Variant type: single nucleotide variant.
Coding change: c.2702T>G on transcript NM_015354.3 (MANE Select); coding-DNA position 2702, T replaced by G.
Protein change: p.Phe901Cys; replaces phenylalanine 901 with cysteine.
Molecular consequence: missense variant.
Genome position (GRCh38, 1-based): chr9:128,993,258, T>G. VCF-style: chr9-128993258-T-G. GRCh37 (hg19) VCF-style: chr9-131755537-T-G.
Other names: short protein forms F901C.
Identifiers: ClinVar variation 5007400 (VCV005007400.2).

ClinVar aggregate classification (germline): Uncertain significance (1 of 4 stars; one submission).

Conditions:
Sandestig-stefanova syndrome. Identifiers: MedGen C5394118, MONDO:0032926, OMIM 618804.

Submission:

Juno Genomics, Hangzhou Juno Genomics, Inc
Classification: Uncertain significance for Sandestig-stefanova syndrome. Review status: criteria provided, single submitter. Criteria: ACMG Guidelines, 2015. Collection method: clinical testing. Allele origin: germline.
Comment: Absent from controls (or at extremely low frequency if recessive) in Genome Aggregation Database.;Multiple lines of computational evidence support a deleterious effect on the gene or gene product.